The following is an entry in ClinVar:

ClinVar aggregate classification (germline): Uncertain significance (1 of 4 stars; one submission).

Conditions:
Hereditary cancer-predisposing syndrome. Also called: Neoplastic Syndromes, Hereditary; Tumor predisposition; Hereditary neoplastic syndrome; Hereditary Cancer Syndrome. Identifiers: Orphanet 140162, MedGen C0027672, MeSH D009386, MONDO:0015356.

Submission:

Ambry Genetics
Classification: Uncertain significance for Hereditary cancer-predisposing syndrome. Last evaluated: 2026-07-07. Review status: criteria provided, single submitter. Criteria: Ambry Variant Classification Scheme 2023. Collection method: clinical testing. Allele origin: germline.
Comment: The p.F1651L variant (also known as c.4951T>C), located in coding exon 15 of the APC gene, results from a T to C substitution at nucleotide position 4951. The phenylalanine at codon 1651 is replaced by leucine, an amino acid with highly similar properties. This amino acid position is conserved. In addition, in silico predictors for this gene do not accurately predict pathogenicity. Based on the available evidence, the clinical significance of this variant remains unclear.

NM_000038.6(APC):c.4951T>C (p.Phe1651Leu)

Gene: APC (APC regulator of Wnt signaling pathway; plus strand). Cytogenetic location: 5q22.2.
Variant type: single nucleotide variant.
Coding change: c.4951T>C on transcript NM_000038.6 (MANE Select); coding-DNA position 4951, T replaced by C.
Protein change: p.Phe1651Leu; replaces phenylalanine 1651 with leucine.
Molecular consequence: missense variant. On other transcripts: non-coding transcript variant (2).
Genome position (GRCh38, 1-based): chr5:112,840,545, T>C. VCF-style: chr5-112840545-T-C. GRCh37 (hg19) VCF-style: chr5-112176242-T-C.
Other names: c.3799T>C, p.Phe1267Leu (NM_001407472.1, NM_001407471.1); c.4951T>C, p.Phe1651Leu (NM_001127510.3, NM_001354895.2, NM_001407450.1); c.4897T>C, p.Phe1633Leu (NM_001127511.3); c.5005T>C, p.Phe1669Leu (NM_001354896.2, NM_001407447.1, NM_001407448.1 and 1 more transcripts); c.4981T>C, p.Phe1661Leu (NM_001354897.2); c.4876T>C, p.Phe1626Leu (NM_001354898.2); c.4867T>C, p.Phe1623Leu (NM_001354899.2); c.4828T>C, p.Phe1610Leu (NM_001354900.2); and 11 more; short protein forms F1550L, F1679L, F1522L, F1560L, F1568L, F1641L, F1644L, F1669L.
Identifiers: ClinVar variation 5025297 (VCV005025297.1).